The following is an entry in ClinVar:

NM_024301.5(FKRP):c.969C>A (p.Arg323=)

Gene: FKRP (fukutin related protein; plus strand). Cytogenetic location: 19q13.32.
Variant type: single nucleotide variant.
Coding change: c.969C>A on transcript NM_024301.5 (MANE Select); coding-DNA position 969, C replaced by A.
Protein change: p.Arg323=; no amino-acid change (arginine 323 retained).
Molecular consequence: synonymous variant.
Genome position (GRCh38, 1-based): chr19:46,756,419, C>A. VCF-style: chr19-46756419-C-A. GRCh37 (hg19) VCF-style: chr19-47259676-C-A.
Other names: c.969C>A, p.Arg323= (NM_001039885.3).
Identifiers: ClinVar variation 1111992 (VCV001111992.15), dbSNP rs532054402, ClinGen allele CA9532219.

ClinVar aggregate classification (germline): Likely benign. Review status: criteria provided, multiple submitters, no conflicts (2 of 4 stars). 2 submissions from 2 submitters: Likely benign (2). Last evaluated 2025-10-01.

Conditions:
Walker-Warburg congenital muscular dystrophy. Also called: Muscular dystrophy-dystroglycanopathy, type A; Walker-Warburg syndrome. Identifiers: Orphanet 899, MedGen C0265221, MONDO:0000171.

gnomAD v4.1: 4 of 1,577,266 alleles (0.00025%); highest among the groups gnomAD compares: Admixed American, 0.0056%; no homozygotes.

Submissions (2):

CeGaT Center for Human Genetics Tuebingen
Classification: Likely benign. Last evaluated: 2025-10-01. Review status: criteria provided, single submitter. Criteria: CeGaT Center For Human Genetics Tuebingen Variant Classification Criteria Version 2. Collection method: clinical testing. Allele origin: germline. Affected: yes. Observed: 1 variant allele.
Comment: FKRP: BP4, BP7

Labcorp Genetics (formerly Invitae), Labcorp
Classification: Likely benign for Walker-Warburg congenital muscular dystrophy. Last evaluated: 2025-03-15. Review status: criteria provided, single submitter. Criteria: Invitae Variant Classification Sherloc (09022015). Collection method: clinical testing. Allele origin: germline.